The following is an entry in ClinVar:

ClinVar aggregate classification (germline): Uncertain significance (1 of 4 stars; one submission).

gnomAD v4.1: 13 of 1,612,656 alleles (0.00081%); highest among the groups gnomAD compares: East Asian, 0.0022%; no homozygotes.

Submission:

Labcorp Genetics (formerly Invitae), Labcorp
Classification: Uncertain significance. Last evaluated: 2025-03-27. Review status: criteria provided, single submitter. Criteria: Invitae Variant Classification Sherloc (09022015). Collection method: clinical testing. Allele origin: germline.
Comment: This sequence change replaces alanine, which is neutral and non-polar, with aspartic acid, which is acidic and polar, at codon 3694 of the FRAS1 protein (p.Ala3694Asp). This variant is not present in population databases (gnomAD no frequency). This variant has not been reported in the literature in individuals affected with FRAS1-related conditions. Invitae Evidence Modeling of protein sequence and biophysical properties (such as structural, functional, and spatial information, amino acid conservation, physicochemical variation, residue mobility, and thermodynamic stability) indicates that this missense variant is expected to disrupt FRAS1 protein function with a positive predictive value of 80%. In summary, the available evidence is currently insufficient to determine the role of this variant in disease. Therefore, it has been classified as a Variant of Uncertain Significance.

NM_025074.7(FRAS1):c.11081C>A (p.Ala3694Asp)

Genes: FRAS1 (Fraser extracellular matrix complex subunit 1; plus strand), LOC126807089 (CDK7 strongly-dependent group 2 enhancer GRCh37_chr4:79455131-79456330; plus strand). Cytogenetic location: 4q21.21.
Variant type: single nucleotide variant.
Coding change: c.11081C>A on transcript NM_025074.7 (MANE Select); coding-DNA position 11081, C replaced by A.
Protein change: p.Ala3694Asp; replaces alanine 3694 with aspartic acid.
Molecular consequence: missense variant.
Genome position (GRCh38, 1-based): chr4:78,534,604, C>A. VCF-style: chr4-78534604-C-A. GRCh37 (hg19) VCF-style: chr4-79455758-C-A.
Other names: short protein forms A3694D.
Identifiers: ClinVar variation 4704610 (VCV004704610.1).
Genomic context (GRCh38, chr4:78,534,604, plus strand): 5'-TGTTCCTAATGGATCCCAATACATCTGATATGTCACTAGCAGAAATGGATTACAAAGGAG[C>A]CTTTTCAAAAGGTGAGTTGCTTCCTCCACCTGCAGAAAGAGGCTCTGCCTGGATATGAGA-3'
Protein context (NP_079350.5, residues 3684-3704): MSLAEMDYKG[Ala3694Asp]FSKGQILYGR